The following is an entry in ClinVar:

NM_000159.4(GCDH):c.692G>C (p.Gly231Ala)

Gene: GCDH (glutaryl-CoA dehydrogenase; plus strand). Cytogenetic location: 19p13.13.
Variant type: single nucleotide variant.
Coding change: c.692G>C on transcript NM_000159.4 (MANE Select); coding-DNA position 692, G replaced by C.
Protein change: p.Gly231Ala; replaces glycine 231 with alanine.
Molecular consequence: missense variant. On other transcripts: non-coding transcript variant (2).
Genome position (GRCh38, 1-based): chr19:12,896,261, G>C. VCF-style: chr19-12896261-G-C. GRCh37 (hg19) VCF-style: chr19-13007075-G-C.
Other names: c.692G>C, p.Gly231Ala (NM_013976.5); short protein forms G231A.
Identifiers: ClinVar variation 1704836 (VCV001704836.5), dbSNP rs373998176, ClinGen allele CA9234464.
Genomic context (GRCh38, chr19:12,896,261, plus strand): 5'-CCAGGATCACGAACTCGCCTATGGCCGATCTGTTTGTAGTGTGGGCTCGGTGTGAAGATG[G>C]CTGCATTCGGGGCTTCCTGCTGGAGAAGGGGATGCGGGGTCTCTCGGCCCCCAGGATCCA-3'
Protein context (NP_000150.1, residues 221-241): LFVVWARCED[Gly231Ala]CIRGFLLEKG

ClinVar aggregate classification (germline): Uncertain significance. Review status: criteria provided, multiple submitters, no conflicts (2 of 4 stars). 2 submissions from 2 submitters: Uncertain significance (2). Last evaluated 2022-12-05.

Conditions:
Inborn genetic diseases. Identifiers: MedGen C0950123, MeSH D030342.

Allele frequency attached by ClinVar (database versions not stated): TOPMed below 0.00001; gnomAD 0.00001; ExAC 0.00002; ESP Exome Variant Server 0.00008.
gnomAD v4.1: 111 of 1,612,874 alleles (0.0069%); highest among the groups gnomAD compares: Non-Finnish European, 0.0094%; no homozygotes.

Submissions (2):

Ambry Genetics
Classification: Uncertain significance for Inborn genetic diseases. Last evaluated: 2022-12-05. Review status: criteria provided, single submitter. Criteria: Ambry Variant Classification Scheme 2023. Collection method: clinical testing. Allele origin: germline.

GeneDx
Classification: Uncertain significance. Last evaluated: 2022-03-07. Review status: criteria provided, single submitter. Criteria: GeneDx Variant Classification Process June 2021. Collection method: clinical testing. Allele origin: germline. Affected: yes.
Comment: Not observed at significant frequency in large population cohorts (gnomAD); In silico analysis supports that this missense variant has a deleterious effect on protein structure/function; Has not been previously published as pathogenic or benign to our knowledge